The following is an entry in ClinVar:

NM_004385.5(VCAN):c.927T>C (p.Thr309=)

Gene: VCAN (versican; plus strand). Cytogenetic location: 5q14.3.
Variant type: single nucleotide variant.
Coding change: c.927T>C on transcript NM_004385.5 (MANE Select); coding-DNA position 927, T replaced by C.
Protein change: p.Thr309=; no amino-acid change (threonine 309 retained).
Molecular consequence: synonymous variant.
Genome position (GRCh38, 1-based): chr5:83,512,281, T>C. VCF-style: chr5-83512281-T-C. GRCh37 (hg19) VCF-style: chr5-82808100-T-C.
Other names: c.927T>C, p.Thr309= (NM_001126336.3, NM_001164097.2, NM_001164098.2).
Identifiers: ClinVar variation 167819 (VCV000167819.21), dbSNP rs536465380, ClinGen allele CA235197.

ClinVar aggregate classification (germline): Conflicting classifications of pathogenicity. Review status: criteria provided, conflicting classifications (1 of 4 stars). 5 submissions from 4 submitters: Uncertain significance (1); Benign (3); Likely benign (1). Last evaluated 2025-12-19.

Conditions:
Vitreoretinopathy. Also called: Vitreoretinal degeneration. Identifiers: MedGen C0344290, MONDO:0020248, HP:0007773.
Wagner disease. Also called: Wagner syndrome; HYALOIDEORETINAL DEGENERATION OF WAGNER; WAGNER VITREORETINAL DEGENERATION; Wagner Vitreoretinal Degeneration (Wagner Synrdome); WAGNER SYNDROME 1; WAGNER VITREORETINOPATHY. Identifiers: Orphanet 898, MedGen C1840452, MONDO:0007740, OMIM 143200.

Allele frequency attached by ClinVar (database versions not stated): gnomAD below 0.00001 and 0.00019; TOPMed 0.00003; gnomAD exomes 0.00033 and 0.00067; 1000 Genomes Project 30x 0.00125; 1000 Genomes Project 0.00140.
gnomAD v4.1: 521 of 1,614,174 alleles (0.032%); highest among the groups gnomAD compares: South Asian, 0.54%; 4 homozygotes.

Submissions (5):

Labcorp Genetics (formerly Invitae), Labcorp
Classification: Benign. Last evaluated: 2025-12-19. Review status: criteria provided, single submitter. Criteria: Invitae Variant Classification Sherloc (09022015). Collection method: clinical testing. Allele origin: germline.

Blueprint Genetics
Classification: Likely benign. Last evaluated: 2024-11-04. Review status: criteria provided, single submitter. Criteria: ACMG Guidelines, 2015. Collection method: clinical testing. Allele origin: germline.

Illumina Laboratory Services, Illumina
Classification: Benign for Wagner disease. Last evaluated: 2018-01-13. Review status: criteria provided, single submitter. Criteria: ICSL Variant Classification Criteria 13 December 2019. Collection method: clinical testing. Allele origin: germline.
Comment: This variant was observed in the ICSL laboratory as part of a predisposition screen in an ostensibly healthy population. It had not been previously curated by ICSL or reported in the Human Gene Mutation Database (HGMD: prior to June 1st, 2018), and was therefore a candidate for classification through an automated scoring system. Utilizing variant allele frequency, disease prevalence and penetrance estimates, and inheritance mode, an automated score was calculated to assess if this variant is too frequent to cause the disease. Based on the score and internal cut-off values, a variant classified as benign is not then subjected to further curation. The score for this variant resulted in a classification of benign for this disease.

Illumina Laboratory Services, Illumina
Classification: Benign for Vitreoretinopathy. Last evaluated: 2018-01-13. Review status: criteria provided, single submitter. Criteria: ICSL Variant Classification Criteria 13 December 2019. Collection method: clinical testing. Allele origin: germline.
Comment: the same text as in the submission from Illumina Laboratory Services, Illumina above.

Eurofins Ntd Llc (ga)
Classification: Uncertain significance. Last evaluated: 2014-01-09. Review status: criteria provided, single submitter. Criteria: EGL Classification Definitions 2015. Collection method: clinical testing. Allele origin: germline. Observed: 1 variant allele, 1 heterozygote.